The following is an entry in ClinVar:

ClinVar aggregate classification (germline): Benign. Review status: reviewed by expert panel (3 of 4 stars). 9 submissions from 9 submitters: Benign (1). 8 of the submissions do not count toward it. Last evaluated 2023-02-20.

Conditions:
CDKL5 disorder. Identifiers: MedGen CN296942, MONDO:0100039.
Inborn genetic diseases. Identifiers: MedGen C0950123, MeSH D030342.
Angelman syndrome-like. Identifiers: MedGen CN128785.
Developmental and epileptic encephalopathy, 2 (DEE2). Also called: CDKL5 deficiency disorder; INFANTILE SPASM SYNDROME, X-LINKED 2. Identifiers: Orphanet 1934, Orphanet 3451, Orphanet 505652, MedGen C4750718, MONDO:0010396, OMIM 300672.
CDKL5-related disorder.

Allele frequency attached by ClinVar (database versions not stated): gnomAD 0.00002 and 0.00005; TOPMed 0.00002; gnomAD exomes 0.00010 and 0.00011; ExAC 0.00011.
gnomAD v4.1: 122 of 1,209,112 alleles (0.01%); highest among the groups gnomAD compares: Middle Eastern, 0.67%; 2 homozygotes.

Submissions (9):

ClinGen Rett and Angelman-like Disorders Variant Curation Expert Panel
Classification: Benign for CDKL5 disorder. Last evaluated: 2023-02-20. Review status: reviewed by expert panel. Criteria: ClinGen RettAS ACMG Specifications V2. Collection method: curation. Allele origin: germline. Inheritance: X-linked inheritance.
Comment: The allele frequency of the p.Ala334= variant in CDKL5 is 0.07448% in South Asian sub population in gnomAD, which is high enough to be classified as benign based on thresholds defined by the ClinGen Rett/Angelman-like Expert Panel for Rett/AS-like conditions (BA1). The p.Ala334= variant is observed in at least 1 unaffected individual (Clinvar 210642) (BS2_supporting). The silent p.Ala334= variant is not predicted to affect splicing using multiple computational tools and does not affect a highly conserved nucleotide (BP7). In summary, the p.Ala334= variant in CDKL5 is classified as Benign based on the ACMG/AMP criteria (BA1, BA2_supporting, BP7).

Labcorp Genetics (formerly Invitae), Labcorp
Classification: Benign for Developmental and epileptic encephalopathy, 2; Angelman syndrome-like. Last evaluated: 2026-01-26. Review status: criteria provided, single submitter. Criteria: Invitae Variant Classification Sherloc (09022015). Collection method: clinical testing. Allele origin: germline. Not counted in ClinVar's aggregate classification.

CeGaT Center for Human Genetics Tuebingen
Classification: Likely benign. Last evaluated: 2025-07-01. Review status: criteria provided, single submitter. Criteria: CeGaT Center For Human Genetics Tuebingen Variant Classification Criteria Version 2. Collection method: clinical testing. Allele origin: germline. Affected: yes. Observed: 2 variant alleles. Not counted in ClinVar's aggregate classification.
Comment: CDKL5: BP4, BP7, BS2

Blueprint Genetics
Classification: Likely benign. Last evaluated: 2024-03-16. Review status: criteria provided, single submitter. Criteria: ACMG Guidelines, 2015. Collection method: clinical testing. Allele origin: germline. Not counted in ClinVar's aggregate classification.

Genetic Services Laboratory, University of Chicago
Classification: Benign. Last evaluated: 2018-08-31. Review status: criteria provided, single submitter. Criteria: ACMG Guidelines, 2015. Collection method: clinical testing. Allele origin: germline. Affected: no. Not counted in ClinVar's aggregate classification.

Ambry Genetics
Classification: Likely benign for Inborn genetic diseases. Last evaluated: 2016-10-10. Review status: criteria provided, single submitter. Criteria: Ambry Variant Classification Scheme 2023. Collection method: clinical testing. Allele origin: germline. Not counted in ClinVar's aggregate classification.

Eurofins Ntd Llc (ga)
Classification: Uncertain significance. Last evaluated: 2015-11-22. Review status: criteria provided, single submitter. Criteria: EGL Classification Definitions 2015. Collection method: clinical testing. Allele origin: germline. Observed: 1 variant allele, 1 heterozygote. Not counted in ClinVar's aggregate classification.

GeneDx
Classification: Benign. Last evaluated: 2015-03-03. Review status: criteria provided, single submitter. Criteria: GeneDx Variant Classification Process June 2021. Collection method: clinical testing. Allele origin: germline. Affected: yes. Not counted in ClinVar's aggregate classification.

PreventionGenetics, part of Exact Sciences
Classification: Likely benign for CDKL5-related condition. Last evaluated: 2019-03-08. Review status: no assertion criteria provided. Collection method: clinical testing. Allele origin: germline. Not counted in ClinVar's aggregate classification.
Comment: This variant is classified as likely benign based on ACMG/AMP sequence variant interpretation guidelines (Richards et al. 2015 PMID: 25741868, with internal and published modifications).

NM_001323289.2(CDKL5):c.1002T>C (p.Ala334=)

Gene: CDKL5 (cyclin dependent kinase like 5; plus strand). Cytogenetic location: Xp22.13.
Variant type: single nucleotide variant.
Coding change: c.1002T>C on transcript NM_001323289.2 (MANE Select); coding-DNA position 1002, T replaced by C.
Protein change: p.Ala334=; no amino-acid change (alanine 334 retained).
Molecular consequence: synonymous variant.
Genome position (GRCh38, 1-based): chrX:18,603,926, T>C. VCF-style: chrX-18603926-T-C. GRCh37 (hg19) VCF-style: chrX-18622046-T-C.
Other names: NM_001323289.2(CDKL5):c.1002T>C; p.Ala334=; c.1002T>C, p.Ala334= (NM_001037343.2, NM_003159.3).
Identifiers: ClinVar variation 210642 (VCV000210642.52), dbSNP rs756986206, ClinGen allele CA207213.